The following is an entry in ClinVar:

NM_001008212.2(OPTN):c.113A>G (p.Glu38Gly)

Genes: OPTN (optineurin; plus strand), LOC108903148 (10p13 OPTN distal Alu-mediated recombination region; plus strand). Cytogenetic location: 10p13.
Variant type: single nucleotide variant.
Coding change: c.113A>G on transcript NM_001008212.2 (MANE Select); coding-DNA position 113, A replaced by G.
Protein change: p.Glu38Gly; replaces glutamic acid 38 with glycine.
Molecular consequence: missense variant.
Genome position (GRCh38, 1-based): chr10:13,109,235, A>G. VCF-style: chr10-13109235-A-G. GRCh37 (hg19) VCF-style: chr10-13151235-A-G.
Other names: c.113A>G, p.Glu38Gly (NM_001008211.1, NM_001008213.1, NM_021980.4); short protein forms E38G.
Identifiers: ClinVar variation 1730728 (VCV001730728.2), dbSNP rs1832939717, ClinGen allele CA376027161.
Genomic context (GRCh38, chr10:13,109,235, plus strand): 5'-AAAGCACAGGAAATGGACCCCCCCACCTGGCCCACCCAAACCTGGACACGTTTACCCCGG[A>G]GGAGCTGCTGCAGCAGATGAAAGAGCTCCTGACCGAGAACCACCAGCTGAAAGGTGAGCA-3'
Protein context (NP_001008213.1, residues 28-48): AHPNLDTFTP[Glu38Gly]ELLQQMKELL

ClinVar aggregate classification (germline): Uncertain significance (1 of 4 stars; one submission).

Conditions:
Inborn genetic diseases. Identifiers: MedGen C0950123, MeSH D030342.

Submission:

Ambry Genetics
Classification: Uncertain significance for Inborn genetic diseases. Last evaluated: 2019-11-12. Review status: criteria provided, single submitter. Criteria: Ambry Variant Classification Scheme 2023. Collection method: clinical testing. Allele origin: germline.
Comment: The p.E38G variant (also known as c.113A>G), located in coding exon 1 of the OPTN gene, results from an A to G substitution at nucleotide position 113. The glutamic acid at codon 38 is replaced by glycine, an amino acid with similar properties. This amino acid position is well conserved in available vertebrate species. In addition, the in silico prediction for this alteration is inconclusive. Since supporting evidence is limited at this time, the clinical significance of this alteration remains unclear.